The following is an entry in ClinVar:

ClinVar aggregate classification (germline): Uncertain significance (1 of 4 stars; one submission).

Conditions:
Beckwith-Wiedemann syndrome (BWS). Also called: Exomphalos macroglossia gigantism syndrome; EMG SYNDROME. Identifiers: Orphanet 116, MedGen C0004903, MONDO:0007534, OMIM 130650.

Submission:

Labcorp Genetics (formerly Invitae), Labcorp
Classification: Uncertain significance for Beckwith-Wiedemann syndrome. Last evaluated: 2023-05-05. Review status: criteria provided, single submitter. Criteria: Invitae Variant Classification Sherloc (09022015). Collection method: clinical testing. Allele origin: germline.
Comment: This variant has not been reported in the literature in individuals affected with CDKN1C-related conditions. In summary, the available evidence is currently insufficient to determine the role of this variant in disease. Therefore, it has been classified as a Variant of Uncertain Significance. Advanced modeling of protein sequence and biophysical properties (such as structural, functional, and spatial information, amino acid conservation, physicochemical variation, residue mobility, and thermodynamic stability) performed at Invitae indicates that this missense variant is not expected to disrupt CDKN1C protein function. This variant is not present in population databases (gnomAD no frequency). This sequence change replaces glycine, which is neutral and non-polar, with arginine, which is basic and polar, at codon 231 of the CDKN1C protein (p.Gly231Arg).

NM_001122630.2(CDKN1C):c.658G>C (p.Gly220Arg)

Gene: CDKN1C (cyclin dependent kinase inhibitor 1C; minus strand). Cytogenetic location: 11p15.4.
Variant type: single nucleotide variant.
Coding change: c.658G>C on transcript NM_001122630.2 (MANE Select); coding-DNA position 658, G replaced by C.
Protein change: p.Gly220Arg; replaces glycine 220 with arginine.
Molecular consequence: missense variant. On other transcripts: intron variant (1).
Genome position (GRCh38, 1-based): chr11:2,884,799, C>G on the plus strand (G>C on the coding strand, the complement: CDKN1C is on the minus strand). VCF-style: chr11-2884799-C-G. GRCh37 (hg19) VCF-style: chr11-2906029-C-G.
Other names: c.691G>C, p.Gly231Arg (NM_000076.2, NM_001362474.2); c.658G>C, p.Gly220Arg (NM_001122631.2); c.255+403G>C (NM_001362475.2); short protein forms G220R, G231R.
Identifiers: ClinVar variation 2885935 (VCV002885935.3), dbSNP rs1564929482, ClinGen allele CA379145851.
Genomic context (GRCh38, chr11:2,884,799, plus strand): 5'-CGGGACGTCCCGAAATCCCCGAGTGCAGCTGGTCAGCGAGAGGCTCCTGGCCGCGCTGCC[C>G]CTGGTTCGCGCCCTGCTCGGCGCTCTCTTGAGGCGCCGCGTCCGGGGCCGGGGCCGGGGC-3'
Protein context (NP_001116102.1, residues 210-230): QESAEQGANQ[Gly220Arg]QRGQEPLADQ